The following is an entry in ClinVar:

NM_012471.3(TRPC5):c.957C>T (p.Phe319=)

Gene: TRPC5 (transient receptor potential cation channel subfamily C member 5; minus strand). Cytogenetic location: Xq23.
Variant type: single nucleotide variant.
Coding change: c.957C>T on transcript NM_012471.3 (MANE Select); coding-DNA position 957, C replaced by T.
Protein change: p.Phe319=; no amino-acid change (phenylalanine 319 retained).
Molecular consequence: synonymous variant.
Genome position (GRCh38, 1-based): chrX:111,854,050, G>A on the plus strand (C>T on the coding strand, the complement: TRPC5 is on the minus strand). VCF-style: chrX-111854050-G-A. GRCh37 (hg19) VCF-style: chrX-111097278-G-A.
Identifiers: ClinVar variation 2661219 (VCV002661219.24), dbSNP rs1198241243, ClinGen allele CA518062616.
Genomic context (GRCh38, chrX:111,854,050, plus strand): 5'-GAACCCAATGGTCATGCAGGTTAGAAGCTTGACTACCCAGTGTTTCCGCCGCCATCCAGG[G>A]AAGCCATCATACCACAGGGTGGCAAGCAACTGTTGGCAGTTGGGCTGAGCAACAAACTGG-3'
Protein context (NP_036603.1, residues 309-329): QLLATLWYDG[Phe319=]PGWRRKHWVV

ClinVar aggregate classification (germline): Likely benign (1 of 4 stars; one submission).

Allele frequency attached by ClinVar (database versions not stated): gnomAD exomes below 0.00001.
gnomAD v4.1: 1 of 1,211,526 alleles (0.000083%); highest among the groups gnomAD compares: Non-Finnish European, 0.00011%; no homozygotes.

Submission:

CeGaT Center for Human Genetics Tuebingen
Classification: Likely benign. Last evaluated: 2022-05-01. Review status: criteria provided, single submitter. Criteria: CeGaT Center For Human Genetics Tuebingen Variant Classification Criteria Version 2. Collection method: clinical testing. Allele origin: germline. Affected: yes. Observed: 1 variant allele.
Comment: TRPC5: BP4, BP7